The following is an entry in ClinVar:

ClinVar aggregate classification (germline): Uncertain significance (1 of 4 stars; one submission).

Conditions:
Baller-Gerold syndrome (BGS). Also called: CRANIOSYNOSTOSIS WITH RADIAL DEFECTS. Identifiers: Orphanet 1225, MedGen C0265308, MONDO:0009039, OMIM 218600.

Submission:

Labcorp Genetics (formerly Invitae), Labcorp
Classification: Uncertain significance for Baller-Gerold syndrome. Last evaluated: 2022-03-28. Review status: criteria provided, single submitter. Criteria: Invitae Variant Classification Sherloc (09022015). Collection method: clinical testing. Allele origin: germline.
Comment: In summary, the available evidence is currently insufficient to determine the role of this variant in disease. Therefore, it has been classified as a Variant of Uncertain Significance. Experimental studies and prediction algorithms are not available or were not evaluated, and the functional significance of this variant is currently unknown. This variant has not been reported in the literature in individuals affected with RECQL4-related conditions. This variant is not present in population databases (gnomAD no frequency). This sequence change replaces valine, which is neutral and non-polar, with glutamic acid, which is acidic and polar, at codon 1026 of the RECQL4 protein (p.Val1026Glu).

NM_004260.4(RECQL4):c.3077T>A (p.Val1026Glu)

Gene: RECQL4 (RecQ like helicase 4; minus strand). Cytogenetic location: 8q24.3.
Variant type: single nucleotide variant.
Coding change: c.3077T>A on transcript NM_004260.4 (MANE Select); coding-DNA position 3077, T replaced by A.
Protein change: p.Val1026Glu; replaces valine 1026 with glutamic acid.
Molecular consequence: missense variant.
Genome position (GRCh38, 1-based): chr8:144,512,303, A>T on the plus strand (T>A on the coding strand, the complement: RECQL4 is on the minus strand). VCF-style: chr8-144512303-A-T. GRCh37 (hg19) VCF-style: chr8-145737686-A-T.
Other names: short protein forms V1026E.
Identifiers: ClinVar variation 1492916 (VCV001492916.6), dbSNP rs1586793873, ClinGen allele CA372670812.